The following is an entry in ClinVar:

ClinVar aggregate classification (germline): Uncertain significance (1 of 4 stars; one submission).

Conditions:
Very long chain acyl-CoA dehydrogenase deficiency (ACADVLD). Also called: Very Long-Chain Acyl-Coenzyme A Dehydrogenase Deficiency; VLCAD Deficiency. Identifiers: Orphanet 26793, MedGen C3887523, MONDO:0008723, OMIM 201475.

Submission:

Wong Mito Lab, Molecular and Human Genetics, Baylor College of Medicine
Classification: Uncertain significance for Very long chain acyl-CoA dehydrogenase deficiency. Last evaluated: 2019-11-01. Review status: criteria provided, single submitter. Criteria: ACMG Guidelines, 2015. Collection method: clinical testing. Allele origin: germline.
Comment: The NM_000018.3:c.766G>C (NP_000009.1:p.Ala256Pro) [GRCH38: NC_000017.11:g.7222190G>C] variant in ACADVL gene is interpretated to be Uncertain Significance based on ACMG guidelines (PMID: 25741868). This variant has been reported. This variant meets the following evidence codes reported in the ACMG guidelines: PM1, PP3

NM_000018.4(ACADVL):c.766G>C (p.Ala256Pro)

Gene: ACADVL (acyl-CoA dehydrogenase very long chain; plus strand). Cytogenetic location: 17p13.1.
Variant type: single nucleotide variant.
Coding change: c.766G>C on transcript NM_000018.4 (MANE Select); coding-DNA position 766, G replaced by C.
Protein change: p.Ala256Pro; replaces alanine 256 with proline.
Molecular consequence: missense variant.
Genome position (GRCh38, 1-based): chr17:7,222,190, G>C. VCF-style: chr17-7222190-G-C. GRCh37 (hg19) VCF-style: chr17-7125509-G-C.
Other names: c.700G>C, p.Ala234Pro (NM_001033859.3); c.835G>C, p.Ala279Pro (NM_001270447.2); c.538G>C, p.Ala180Pro (NM_001270448.2); short protein forms A256P, A180P, A234P, A279P.
Identifiers: ClinVar variation 932753 (VCV000932753.2), dbSNP rs2071264273, ClinGen allele CA397723643.